The following is an entry in ClinVar:

ClinVar aggregate classification (germline): Uncertain significance (1 of 4 stars; one submission).

Allele frequency attached by ClinVar (database versions not stated): gnomAD exomes 0.00001; ExAC 0.00002; 1000 Genomes Project 30x 0.00016; 1000 Genomes Project 0.00020.
gnomAD v4.1: 18 of 1,612,748 alleles (0.0011%); highest among the groups gnomAD compares: East Asian, 0.025%; no homozygotes.

Submission:

Labcorp Genetics (formerly Invitae), Labcorp
Classification: Uncertain significance. Last evaluated: 2025-08-08. Review status: criteria provided, single submitter. Criteria: Invitae Variant Classification Sherloc (09022015). Collection method: clinical testing. Allele origin: germline.
Comment: This sequence change replaces methionine, which is neutral and non-polar, with valine, which is neutral and non-polar, at codon 396 of the ERBIN protein (p.Met396Val). This variant is present in population databases (rs199814799, gnomAD 0.03%). This variant has not been reported in the literature in individuals affected with ERBIN-related conditions. ClinVar contains an entry for this variant (Variation ID: 2171671). An algorithm developed to predict the effect of missense changes on protein structure and function (PolyPhen-2) suggests that this variant is likely to be tolerated. In summary, the available evidence is currently insufficient to determine the role of this variant in disease. Therefore, it has been classified as a Variant of Uncertain Significance.

NM_001253697.2(ERBIN):c.1186A>G (p.Met396Val)

Gene: ERBIN (erbb2 interacting protein; plus strand). Cytogenetic location: 5q12.3.
Variant type: single nucleotide variant.
Coding change: c.1186A>G on transcript NM_001253697.2 (MANE Select); coding-DNA position 1186, A replaced by G.
Protein change: p.Met396Val; replaces methionine 396 with valine.
Molecular consequence: missense variant.
Genome position (GRCh38, 1-based): chr5:66,028,323, A>G. VCF-style: chr5-66028323-A-G. GRCh37 (hg19) VCF-style: chr5-65324151-A-G.
Other names: c.1186A>G, p.Met396Val (NM_001006600.3, NM_001253698.2, NM_001253699.2 and 2 more transcripts); short protein forms M396V.
Identifiers: ClinVar variation 2171671 (VCV002171671.4), dbSNP rs199814799, ClinGen allele CA3286183.